The following is an entry in ClinVar:

NM_006379.5(SEMA3C):c.765G>A (p.Thr255=)

Gene: SEMA3C (semaphorin 3C; minus strand). Cytogenetic location: 7q21.11.
Variant type: single nucleotide variant.
Coding change: c.765G>A on transcript NM_006379.5 (MANE Select); coding-DNA position 765, G replaced by A.
Protein change: p.Thr255=; no amino-acid change (threonine 255 retained).
Molecular consequence: synonymous variant.
Genome position (GRCh38, 1-based): chr7:80,804,142, C>T on the plus strand (G>A on the coding strand, the complement: SEMA3C is on the minus strand). VCF-style: chr7-80804142-C-T. GRCh37 (hg19) VCF-style: chr7-80433458-C-T.
Other names: c.819G>A, p.Thr273= (NM_001350120.2); c.591G>A, p.Thr197= (NM_001350121.2).
Identifiers: ClinVar variation 3030632 (VCV003030632.2), dbSNP rs369076469, ClinGen allele CA4316338.

ClinVar aggregate classification (germline): Likely benign (0 of 4 stars; one submission).

Conditions:
SEMA3C-related disorder. Also called: SEMA3C-related condition.

Allele frequency attached by ClinVar (database versions not stated): ExAC 0.00002; gnomAD exomes 0.00003; TOPMed 0.00003; gnomAD 0.00004; ESP Exome Variant Server 0.00008.
gnomAD v4.1: 57 of 1,612,462 alleles (0.0035%); highest among the groups gnomAD compares: Non-Finnish European, 0.0042%; no homozygotes.

Submission:

PreventionGenetics, part of Exact Sciences
Classification: Likely benign for SEMA3C-related condition. Last evaluated: 2023-07-20. Review status: no assertion criteria provided. Collection method: clinical testing. Allele origin: germline.
Comment: This variant is classified as likely benign based on ACMG/AMP sequence variant interpretation guidelines (Richards et al. 2015 PMID: 25741868, with internal and published modifications).